The following is an entry in ClinVar:

NM_000368.5(TSC1):c.2459A>G (p.Lys820Arg)

Gene: TSC1 (TSC complex subunit 1; minus strand). Cytogenetic location: 9q34.13.
Variant type: single nucleotide variant.
Coding change: c.2459A>G on transcript NM_000368.5 (MANE Select); coding-DNA position 2459, A replaced by G.
Protein change: p.Lys820Arg; replaces lysine 820 with arginine.
Molecular consequence: missense variant.
Genome position (GRCh38, 1-based): chr9:132,901,632, T>C on the plus strand (A>G on the coding strand, the complement: TSC1 is on the minus strand). VCF-style: chr9-132901632-T-C. GRCh37 (hg19) VCF-style: chr9-135777019-T-C.
Other names: c.2456A>G, p.Lys819Arg (NM_001162426.2); c.2306A>G, p.Lys769Arg (NM_001162427.2); c.2096A>G, p.Lys699Arg (NM_001362177.2); short protein forms K820R, K699R, K769R, K819R.
Identifiers: ClinVar variation 581518 (VCV000581518.19), dbSNP rs1369700443, ClinGen allele CA375358333.

ClinVar aggregate classification (germline): Conflicting classifications of pathogenicity. Review status: criteria provided, conflicting classifications (1 of 4 stars). 5 submissions from 4 submitters: Uncertain significance (4); Likely benign (1). Last evaluated 2025-07-05.

Conditions:
Isolated focal cortical dysplasia type II (FCORD2). Also called: Focal cortical dysplasia type II; CORTICAL DYSPLASIA OF TAYLOR. Identifiers: Orphanet 268994, MedGen C1846385, MONDO:0011818, OMIM 607341, HP:0032051.
Hereditary cancer-predisposing syndrome. Also called: Neoplastic Syndromes, Hereditary; Hereditary Cancer Syndrome; Tumor predisposition; Hereditary neoplastic syndrome. Identifiers: Orphanet 140162, MedGen C0027672, MeSH D009386, MONDO:0015356.
Tuberous sclerosis 1 (TSC1). Identifiers: Orphanet 805, MedGen C1854465, MONDO:0008612, OMIM 191100.

Allele frequency attached by ClinVar (database versions not stated): gnomAD exomes below 0.00001.
gnomAD v4.1: 4 of 1,614,160 alleles (0.00025%); highest among the groups gnomAD compares: South Asian, 0.0011%; no homozygotes.

Submissions (5):

Labcorp Genetics (formerly Invitae), Labcorp
Classification: Likely benign for Tuberous sclerosis 1. Last evaluated: 2025-07-05. Review status: criteria provided, single submitter. Criteria: Invitae Variant Classification Sherloc (09022015). Collection method: clinical testing. Allele origin: germline.

Ambry Genetics
Classification: Uncertain significance for Hereditary cancer-predisposing syndrome. Last evaluated: 2024-05-16. Review status: criteria provided, single submitter. Criteria: Ambry Variant Classification Scheme 2023. Collection method: clinical testing. Allele origin: germline.
Comment: The p.K820R variant (also known as c.2459A>G), located in coding exon 17 of the TSC1 gene, results from an A to G substitution at nucleotide position 2459. The lysine at codon 820 is replaced by arginine, an amino acid with highly similar properties. This amino acid position is highly conserved in available vertebrate species. In addition, the in silico prediction for this alteration is inconclusive. Since supporting evidence is limited at this time, the clinical significance of this alteration remains unclear.

Genome-Nilou Lab
Classification: Uncertain significance for Tuberous sclerosis 1. Last evaluated: 2021-11-07. Review status: criteria provided, single submitter. Criteria: ACMG Guidelines, 2015. Collection method: clinical testing. Allele origin: germline. Affected: no.

Illumina Laboratory Services, Illumina
Classification: Uncertain significance for Isolated focal cortical dysplasia type II. Last evaluated: 2018-01-13. Review status: criteria provided, single submitter. Criteria: ICSL Variant Classification Criteria 13 December 2019. Collection method: clinical testing. Allele origin: germline.

Illumina Laboratory Services, Illumina
Classification: Uncertain significance for Tuberous sclerosis 1. Last evaluated: 2018-01-13. Review status: criteria provided, single submitter. Criteria: ICSL Variant Classification Criteria 13 December 2019. Collection method: clinical testing. Allele origin: germline.